The following is an entry in ClinVar:

ClinVar aggregate classification (germline): Uncertain significance. Review status: criteria provided, multiple submitters, no conflicts (2 of 4 stars). 2 submissions from 2 submitters: Uncertain significance (2). Last evaluated 2024-05-09.

Conditions:
Wiedemann-Steiner syndrome (WDSTS). Also called: Growth deficiency and mental retardation with facial dysmorphism. Identifiers: Orphanet 319182, MedGen C1854630, MONDO:0011518, OMIM 605130.

Allele frequency attached by ClinVar (database versions not stated): TOPMed below 0.00001; gnomAD 0.00001.
gnomAD v4.1: 2 of 1,613,904 alleles (0.00012%); highest among the groups gnomAD compares: Non-Finnish European, 0.00017%; no homozygotes.

Submissions (2):

Fulgent Genetics
Classification: Uncertain significance for Wiedemann-Steiner syndrome. Last evaluated: 2024-05-09. Review status: criteria provided, single submitter. Criteria: ACMG Guidelines, 2015. Collection method: clinical testing. Allele origin: germline.

Labcorp Genetics (formerly Invitae), Labcorp
Classification: Uncertain significance. Last evaluated: 2022-03-12. Review status: criteria provided, single submitter. Criteria: Invitae Variant Classification Sherloc (09022015). Collection method: clinical testing. Allele origin: germline.
Comment: In summary, the available evidence is currently insufficient to determine the role of this variant in disease. Therefore, it has been classified as a Variant of Uncertain Significance. Algorithms developed to predict the effect of missense changes on protein structure and function are either unavailable or do not agree on the potential impact of this missense change (SIFT: "Tolerated"; PolyPhen-2: "Probably Damaging"; Align-GVGD: "Class C0"). This variant has not been reported in the literature in individuals affected with KMT2A-related conditions. This variant is not present in population databases (gnomAD no frequency). This sequence change replaces threonine, which is neutral and polar, with isoleucine, which is neutral and non-polar, at codon 771 of the KMT2A protein (p.Thr771Ile).

NM_001197104.2(KMT2A):c.2312C>T (p.Thr771Ile)

Gene: KMT2A (lysine methyltransferase 2A; plus strand). Cytogenetic location: 11q23.3.
Variant type: single nucleotide variant.
Coding change: c.2312C>T on transcript NM_001197104.2 (MANE Select); coding-DNA position 2312, C replaced by T.
Protein change: p.Thr771Ile; replaces threonine 771 with isoleucine.
Molecular consequence: missense variant.
Genome position (GRCh38, 1-based): chr11:118,473,471, C>T. VCF-style: chr11-118473471-C-T. GRCh37 (hg19) VCF-style: chr11-118344186-C-T.
Other names: c.2411C>T, p.Thr804Ile (NM_001412597.1); c.2312C>T, p.Thr771Ile (NM_005933.4); short protein forms T804I, T771I.
Identifiers: ClinVar variation 2110050 (VCV002110050.5), dbSNP rs1273199332, ClinGen allele CA382814393.